The following is an entry in ClinVar:

NM_000742.4(CHRNA2):c.1003A>C (p.Thr335Pro)

Gene: CHRNA2 (cholinergic receptor nicotinic alpha 2 subunit; minus strand). Cytogenetic location: 8p21.2.
Variant type: single nucleotide variant.
Coding change: c.1003A>C on transcript NM_000742.4 (MANE Select); coding-DNA position 1003, A replaced by C.
Protein change: p.Thr335Pro; replaces threonine 335 with proline.
Molecular consequence: missense variant.
Genome position (GRCh38, 1-based): chr8:27,463,440, T>G on the plus strand (A>C on the coding strand, the complement: CHRNA2 is on the minus strand). VCF-style: chr8-27463440-T-G. GRCh37 (hg19) VCF-style: chr8-27320957-T-G.
Other names: c.958A>C, p.Thr320Pro (NM_001282455.2); c.526A>C, p.Thr176Pro (NM_001347705.2, NM_001347706.2); c.409A>C, p.Thr137Pro (NM_001347707.2, NM_001347708.2); short protein forms T137P, T176P, T320P, T335P.
Identifiers: ClinVar variation 4809317 (VCV004809317.1).

ClinVar aggregate classification (germline): Uncertain significance (1 of 4 stars; one submission).

Conditions:
Familial sleep-related hypermotor epilepsy. Also called: Autosomal Dominant Sleep-Related Hypermotor (Hyperkinetic) Epilepsy. Identifiers: Orphanet 98784, MedGen C3696898, MONDO:0000030.

Submission:

Labcorp Genetics (formerly Invitae), Labcorp
Classification: Uncertain significance. Last evaluated: 2026-01-19. Review status: criteria provided, single submitter. Criteria: Invitae Variant Classification Sherloc (09022015). Collection method: clinical testing. Allele origin: germline.
Comment: This sequence change replaces threonine, which is neutral and polar, with proline, which is neutral and non-polar, at codon 335 of the CHRNA2 protein (p.Thr335Pro). This variant is not present in population databases (gnomAD no frequency). This variant has not been reported in the literature in individuals affected with CHRNA2-related conditions. Invitae Evidence Modeling of protein sequence and biophysical properties (such as structural, functional, and spatial information, amino acid conservation, physicochemical variation, residue mobility, and thermodynamic stability) indicates that this missense variant is expected to disrupt CHRNA2 protein function with a positive predictive value of 80%. In summary, the available evidence is currently insufficient to determine the role of this variant in disease. Therefore, it has been classified as a Variant of Uncertain Significance.